The following is an entry in ClinVar:

ClinVar aggregate classification (germline): Conflicting classifications of pathogenicity. Review status: criteria provided, conflicting classifications (1 of 4 stars). 3 submissions from 3 submitters: Pathogenic (1); Likely pathogenic (1); Uncertain significance (1). Last evaluated 2022-11-20.

Conditions:
Retinoblastoma (RB1). Also called: RETINOBLASTOMA, SOMATIC. Identifiers: Orphanet 790, MedGen C0035335, MeSH D012175, MONDO:0008380, OMIM 180200, HP:0009919. Disease mechanism: loss of function. Inheritance: Both sporadic and heritable forms are tested..
Hereditary cancer-predisposing syndrome. Also called: Hereditary Cancer Syndrome; Neoplastic Syndromes, Hereditary; Hereditary neoplastic syndrome; Tumor predisposition. Identifiers: Orphanet 140162, MedGen C0027672, MeSH D009386, MONDO:0015356.

Submissions (3):

Labcorp Genetics (formerly Invitae), Labcorp
Classification: Uncertain significance for Retinoblastoma. Last evaluated: 2022-11-20. Review status: criteria provided, single submitter. Criteria: Invitae Variant Classification Sherloc (09022015). Collection method: clinical testing. Allele origin: germline.
Comment: In summary, the available evidence is currently insufficient to determine the role of this variant in disease. Therefore, it has been classified as a Variant of Uncertain Significance. Advanced modeling of protein sequence and biophysical properties (such as structural, functional, and spatial information, amino acid conservation, physicochemical variation, residue mobility, and thermodynamic stability) performed at Invitae indicates that this missense variant is expected to disrupt RB1 protein function. ClinVar contains an entry for this variant (Variation ID: 428714). This variant has not been reported in the literature in individuals affected with RB1-related conditions. This variant is not present in population databases (gnomAD no frequency). This sequence change replaces arginine, which is basic and polar, with serine, which is neutral and polar, at codon 698 of the RB1 protein (p.Arg698Ser).

Ambry Genetics
Classification: Pathogenic for Hereditary cancer-predisposing syndrome. Last evaluated: 2021-07-01. Review status: criteria provided, single submitter. Criteria: Ambry Variant Classification Scheme 2023. Collection method: clinical testing. Allele origin: germline.
Comment: The p.R698S variant (also known as c.2094G>C), located in coding exon 20 of the RB1 gene, results from a G to C substitution at nucleotide position 2094. The arginine at codon 698 is replaced by serine, an amino acid with dissimilar properties. Based on internal structural analysis, this variant is anticipated to result in a significant decrease in structural stability (Lee C et al. Genes Dev. 2002 Dec;16(24):3199-212). This variant was detected in individuals whose clinical history is consistent with RB1, but also in unaffected individuals (Ambry internal data). Another alteration at the same codon, p.R698T (c.2093G>C), has been observed in multiple individuals with a personal and/or family history that is consistent with RB1-related disease (Ambry internal data). This amino acid position is highly conserved in available vertebrate species. In addition, this alteration is predicted to be deleterious by in silico analysis. Based on the majority of available evidence to date, this alteration is classified as disease-causing mutation exhibiting reduced penetrance.

Baylor Genetics
Classification: Likely pathogenic for Retinoblastoma. Last evaluated: 2019-10-22. Review status: criteria provided, single submitter. Criteria: ACMG Guidelines, 2015. Collection method: clinical testing. Allele origin: de novo. Affected: yes. Study: CSER-TexasKidsCanSeq.
Comment: This variant was determined to be likely pathogenic according to ACMG Guidelines, 2015 [PMID:25741868].

Literature cited by the submitters: PubMed 12502741 (cited by Ambry Genetics).

NM_000321.3(RB1):c.2094G>C (p.Arg698Ser)

Gene: RB1 (RB transcriptional corepressor 1; plus strand). Cytogenetic location: 13q14.2.
Variant type: single nucleotide variant.
Coding change: c.2094G>C on transcript NM_000321.3 (MANE Select); coding-DNA position 2094, G replaced by C.
Protein change: p.Arg698Ser; replaces arginine 698 with serine.
Molecular consequence: missense variant.
Genome position (GRCh38, 1-based): chr13:48,459,821, G>C. VCF-style: chr13-48459821-G-C. GRCh37 (hg19) VCF-style: chr13-49033957-G-C.
Other names: short protein forms R698S.
Identifiers: ClinVar variation 428714 (VCV000428714.9), dbSNP rs1131690891, ClinGen allele CA388166951.